The following is an entry in ClinVar:

NM_173076.3(ABCA12):c.2593-1G>A

Gene: ABCA12 (ATP binding cassette subfamily A member 12; minus strand). Cytogenetic location: 2q35.
Variant type: single nucleotide variant.
Coding change: c.2593-1G>A on transcript NM_173076.3 (MANE Select); the canonical splice acceptor site of the intron before coding-DNA position 2593, G replaced by A.
Molecular consequence: splice acceptor variant.
Genome position (GRCh38, 1-based): chr2:215,004,300, C>T on the plus strand (G>A on the coding strand, the complement: ABCA12 is on the minus strand). VCF-style: chr2-215004300-C-T. GRCh37 (hg19) VCF-style: chr2-215869024-C-T.
Other names: c.1639-1G>A (NM_015657.4).
Identifiers: ClinVar variation 429818 (VCV000429818.2), dbSNP rs1131691611, ClinGen allele CA350479593.

ClinVar aggregate classification (germline): Pathogenic (1 of 4 stars; one submission).

Allele frequency attached by ClinVar (database versions not stated): gnomAD exomes below 0.00001.
gnomAD v4.1: 1 of 1,605,528 alleles (0.000062%); highest among the groups gnomAD compares: Non-Finnish European, 0.000085%; no homozygotes.

Submission:

GeneDx
Classification: Pathogenic. Last evaluated: 2015-09-28. Review status: criteria provided, single submitter. Criteria: GeneDx Variant Classification (06012015). Collection method: clinical testing. Allele origin: germline. Affected: yes.
Comment: The c.2593-1 G>A pathogenic variant in the ABCA12 gene has not been reported previously as a pathogenic variant nor as a benign variant, to our knowledge. This splice site variant destroys the canonical splice acceptor site in intron 19. It is predicted to cause abnormal gene splicing, either leading to an abnormal message that is subject to nonsense-mediated mRNA decay, or to an abnormal protein product if the message is used for protein translation. The c.2593-1 G>A variant was not observed in approximately 6,500 individuals of European and African American ancestry in the NHLBI Exome Sequencing Project, indicating it is not a common benign variant in these populations. We interpret c.2593-1 G>A as a pathogenic variant.